The following is an entry in ClinVar:

NM_001100913.3(PACS2):c.2172G>A (p.Pro724=)

Gene: PACS2 (phosphofurin acidic cluster sorting protein 2; plus strand). Cytogenetic location: 14q32.33.
Variant type: single nucleotide variant.
Coding change: c.2172G>A on transcript NM_001100913.3 (MANE Select); coding-DNA position 2172, G replaced by A.
Protein change: p.Pro724=; no amino-acid change (proline 724 retained).
Molecular consequence: synonymous variant.
Genome position (GRCh38, 1-based): chr14:105,391,683, G>A. VCF-style: chr14-105391683-G-A. GRCh37 (hg19) VCF-style: chr14-105858020-G-A.
Other names: c.2172G>A (NM_001100913.2); c.1902G>A, p.Pro634= (NM_001243127.3); c.2127G>A, p.Pro709= (NM_015197.4).
Identifiers: ClinVar variation 2164195 (VCV002164195.6), dbSNP rs147560207, ClinGen allele CA7389181.

ClinVar aggregate classification (germline): Likely benign. Review status: criteria provided, single submitter (1 of 4 stars). 2 submissions from 2 submitters: Likely benign (1). 1 of the submissions does not count toward it. Last evaluated 2025-11-12.

Conditions:
PACS2-related disorder. Also called: PACS2-related condition.

Allele frequency attached by ClinVar (database versions not stated): gnomAD exomes 0.00002; gnomAD 0.00005; TOPMed 0.00006; ESP Exome Variant Server 0.00008.
gnomAD v4.1: 34 of 1,608,164 alleles (0.0021%); highest among the groups gnomAD compares: Non-Finnish European, 0.0025%; no homozygotes.

Submissions (2):

Labcorp Genetics (formerly Invitae), Labcorp
Classification: Likely benign. Last evaluated: 2025-11-12. Review status: criteria provided, single submitter. Criteria: Invitae Variant Classification Sherloc (09022015). Collection method: clinical testing. Allele origin: germline.

PreventionGenetics, part of Exact Sciences
Classification: Likely benign for PACS2-related condition. Last evaluated: 2019-05-24. Review status: no assertion criteria provided. Collection method: clinical testing. Allele origin: germline. Not counted in ClinVar's aggregate classification.
Comment: This variant is classified as likely benign based on ACMG/AMP sequence variant interpretation guidelines (Richards et al. 2015 PMID: 25741868, with internal and published modifications).